The following is an entry in ClinVar:

ClinVar aggregate classification (germline): Uncertain significance (1 of 4 stars; one submission).

Conditions:
Cardiovascular phenotype. Identifiers: MedGen CN230736.

Submission:

Ambry Genetics
Classification: Uncertain significance for Cardiovascular phenotype. Last evaluated: 2026-09-11. Review status: criteria provided, single submitter. Criteria: Ambry Variant Classification Scheme 2023. Collection method: clinical testing. Allele origin: germline.
Comment: The p.T730A variant (also known as c.2188A>G), located in coding exon 23 of the MYBPC3 gene, results from an A to G substitution at nucleotide position 2188. The threonine at codon 730 is replaced by alanine, an amino acid with similar properties. This amino acid position is conserved. In addition, this alteration is predicted to be tolerated by in silico analysis. Based on the available evidence, the clinical significance of this variant remains unclear.

NM_000256.3(MYBPC3):c.2188A>G (p.Thr730Ala)

Gene: MYBPC3 (myosin binding protein C3; minus strand). Cytogenetic location: 11p11.2.
Variant type: single nucleotide variant.
Coding change: c.2188A>G on transcript NM_000256.3 (MANE Select); coding-DNA position 2188, A replaced by G.
Protein change: p.Thr730Ala; replaces threonine 730 with alanine.
Molecular consequence: missense variant.
Genome position (GRCh38, 1-based): chr11:47,338,640, T>C on the plus strand (A>G on the coding strand, the complement: MYBPC3 is on the minus strand). VCF-style: chr11-47338640-T-C. GRCh37 (hg19) VCF-style: chr11-47360191-T-C.
Other names: short protein forms T730A.
Identifiers: ClinVar variation 4114341 (VCV004114341.2).